The following is an entry in ClinVar:

NM_017672.6(TRPM7):c.541G>A (p.Ala181Thr)

Gene: TRPM7 (transient receptor potential cation channel subfamily M member 7; minus strand). Cytogenetic location: 15q21.2.
Variant type: single nucleotide variant.
Coding change: c.541G>A on transcript NM_017672.6 (MANE Select); coding-DNA position 541, G replaced by A.
Protein change: p.Ala181Thr; replaces alanine 181 with threonine.
Molecular consequence: missense variant. On other transcripts: non-coding transcript variant (3).
Genome position (GRCh38, 1-based): chr15:50,639,543, C>T on the plus strand (G>A on the coding strand, the complement: TRPM7 is on the minus strand). VCF-style: chr15-50639543-C-T. GRCh37 (hg19) VCF-style: chr15-50931740-C-T.
Other names: c.541G>A, p.Ala181Thr (NM_001301212.2); short protein forms A181T.
Identifiers: ClinVar variation 4852974 (VCV004852974.1).

ClinVar aggregate classification (germline): Uncertain significance (1 of 4 stars; one submission).

gnomAD v4.1: 17 of 1,604,694 alleles (0.0011%); highest among the groups gnomAD compares: Admixed American, 0.0034%; no homozygotes.

Submission:

Women's Health and Genetics/Laboratory Corporation of America, LabCorp
Classification: Uncertain significance. Last evaluated: 2026-05-29. Review status: criteria provided, single submitter. Criteria: LabCorp Variant Classification Summary - May 2015. Collection method: clinical testing. Allele origin: germline.
Comment: Variant summary: TRPM7 c.541G>A (p.Ala181Thr) results in a non-conservative amino acid change in the encoded protein sequence. Algorithms developed to predict the effect of missense changes on protein structure and function are either unavailable or do not agree on the potential impact of this missense change. The variant allele was found at a frequency of 1.6e-05 in 243722 control chromosomes. The available data on variant occurrences in the general population are insufficient to allow any conclusion about variant significance. To our knowledge, no occurrence of c.541G>A in individuals affected with TRPM7-related conditions and no experimental evidence demonstrating its impact on protein function have been reported. No submitters have cited clinical-significance assessments for this variant to ClinVar. Based on the evidence outlined above, the variant was classified as uncertain significance.